The following is an entry in ClinVar:

ClinVar aggregate classification (germline): Uncertain significance (1 of 4 stars; one submission).

Conditions:
Mitochondrial hypertrophic cardiomyopathy with lactic acidosis due to MTO1 deficiency. Also called: CARDIOMYOPATHY, INFANTILE HYPERTROPHIC MITOCHONDRIAL, AND LACTIC ACIDOSIS; Combined oxidative phosphorylation deficiency 10. Identifiers: Orphanet 314637, MedGen C4749921, MONDO:0013865, OMIM 614702.

gnomAD v4.1: 2 of 1,613,380 alleles (0.00012%); highest among the groups gnomAD compares: African/African-American, 0.0027%; no homozygotes.

Submission:

Labcorp Genetics (formerly Invitae), Labcorp
Classification: Uncertain significance for Mitochondrial hypertrophic cardiomyopathy with lactic acidosis due to MTO1 deficiency. Last evaluated: 2026-01-19. Review status: criteria provided, single submitter. Criteria: Invitae Variant Classification Sherloc (09022015). Collection method: clinical testing. Allele origin: germline.
Comment: This sequence change replaces valine, which is neutral and non-polar, with leucine, which is neutral and non-polar, at codon 176 of the MTO1 protein (p.Val176Leu). This variant is not present in population databases (gnomAD no frequency). This variant has not been reported in the literature in individuals affected with MTO1-related conditions. Invitae Evidence Modeling of protein sequence and biophysical properties (such as structural, functional, and spatial information, amino acid conservation, physicochemical variation, residue mobility, and thermodynamic stability) indicates that this missense variant is not expected to disrupt MTO1 protein function with a negative predictive value of 80%. In summary, the available evidence is currently insufficient to determine the role of this variant in disease. Therefore, it has been classified as a Variant of Uncertain Significance.

NM_012123.4(MTO1):c.526G>C (p.Val176Leu)

Gene: MTO1 (mitochondrial tRNA translation optimization 1; plus strand). Cytogenetic location: 6q13.
Variant type: single nucleotide variant.
Coding change: c.526G>C on transcript NM_012123.4 (MANE Select); coding-DNA position 526, G replaced by C.
Protein change: p.Val176Leu; replaces valine 176 with leucine.
Molecular consequence: missense variant.
Genome position (GRCh38, 1-based): chr6:73,466,597, G>C. VCF-style: chr6-73466597-G-C. GRCh37 (hg19) VCF-style: chr6-74176320-G-C.
Other names: c.526G>C, p.Val176Leu (NM_001123226.2, NM_133645.3); short protein forms V176L.
Identifiers: ClinVar variation 4779689 (VCV004779689.1).